The following is an entry in ClinVar:

ClinVar aggregate classification (germline): Pathogenic. Review status: criteria provided, multiple submitters, no conflicts (2 of 4 stars). 2 submissions from 2 submitters: Pathogenic (2). Last evaluated 2021-11-02.

Conditions:
Hereditary cancer-predisposing syndrome. Also called: Hereditary neoplastic syndrome; Tumor predisposition; Neoplastic Syndromes, Hereditary; Hereditary Cancer Syndrome. Identifiers: Orphanet 140162, MedGen C0027672, MeSH D009386, MONDO:0015356.

Submissions (2):

Ambry Genetics
Classification: Pathogenic for Hereditary cancer-predisposing syndrome. Last evaluated: 2021-11-02. Review status: criteria provided, single submitter. Criteria: Ambry Variant Classification Scheme 2023. Collection method: clinical testing. Allele origin: germline.
Comment: The p.Q1922* pathogenic mutation (also known as c.5764C>T), located in coding exon 15 of the APC gene, results from a C to T substitution at nucleotide position 5764. This changes the amino acid from a glutamine to a stop codon within coding exon 15. This alteration occurs at the 3' terminus of theAPC gene, is not expected to trigger nonsense-mediated mRNA decay, and impacts the last 922 amino acids of the protein. However, premature stop codons are typically deleterious in nature, the impacted region is critical for protein function, and a significant portion of the protein is affected (Ambry internal data). This variant is considered to be rare based on population cohorts in the Genome Aggregation Database (gnomAD). Based on the supporting evidence, this alteration is interpreted as a disease-causing mutation.

GeneDx
Classification: Pathogenic. Last evaluated: 2014-10-27. Review status: criteria provided, single submitter. Criteria: GeneDx Variant Classification (06012015). Collection method: clinical testing. Allele origin: germline. Affected: yes.
Comment: This pathogenic variant is denoted APC c.5764C>T at the cDNA level and p.Gln1922Ter (Q1922X) at the protein level. The substitution creates a nonsense variant, which changes a Glutamine to a premature stop codon (CAG>TAG), and is predicted to cause loss of normal protein function through protein truncation. Although this variant has not, to our knowledge, been reported in the literature, it is considered pathogenic.

NM_000038.6(APC):c.5764C>T (p.Gln1922Ter)

Gene: APC (APC regulator of Wnt signaling pathway; plus strand). Cytogenetic location: 5q22.2.
Variant type: single nucleotide variant.
Coding change: c.5764C>T on transcript NM_000038.6 (MANE Select); coding-DNA position 5764, C replaced by T.
Protein change: p.Gln1922Ter; replaces glutamine 1922 with a stop codon.
Molecular consequence: nonsense.
Genome position (GRCh38, 1-based): chr5:112,841,358, C>T. VCF-style: chr5-112841358-C-T. GRCh37 (hg19) VCF-style: chr5-112177055-C-T.
Other names: c.5764C>T, p.Gln1922Ter (NM_001127510.3, NM_001354895.2); c.5710C>T, p.Gln1904Ter (NM_001127511.3); c.5818C>T, p.Gln1940Ter (NM_001354896.2); c.5794C>T, p.Gln1932Ter (NM_001354897.2); c.5689C>T, p.Gln1897Ter (NM_001354898.2); c.5680C>T, p.Gln1894Ter (NM_001354899.2); c.5641C>T, p.Gln1881Ter (NM_001354900.2); c.5587C>T, p.Gln1863Ter (NM_001354901.2); and 5 more; short protein forms Q1904*, Q1922*, Q1639*, Q1821*, Q1897*, Q1831*, Q1881*, Q1932*.
Identifiers: ClinVar variation 418010 (VCV000418010.4), dbSNP rs1064793024, ClinGen allele CA16033943.
Genomic context (GRCh38, chr5:112,841,358, plus strand): 5'-TCCAACCAACAATCAGCTAATAAGACACAAGCTATTGCAAAGCAGCCAATAAATCGAGGT[C>T]AGCCTAAACCCATACTTCAGAAACAATCCACTTTTCCCCAGTCATCCAAAGACATACCAG-3'